The following is an entry in ClinVar:

NM_001018005.2(TPM1):c.454A>G (p.Lys152Glu)

Gene: TPM1 (tropomyosin 1; plus strand). Cytogenetic location: 15q22.2.
Variant type: single nucleotide variant.
Coding change: c.454A>G on transcript NM_001018005.2 (MANE Select); coding-DNA position 454, A replaced by G.
Protein change: p.Lys152Glu; replaces lysine 152 with glutamic acid.
Molecular consequence: missense variant.
Genome position (GRCh38, 1-based): chr15:63,059,642, A>G. VCF-style: chr15-63059642-A-G. GRCh37 (hg19) VCF-style: chr15-63351841-A-G.
Other names: c.454A>G, p.Lys152Glu (NM_000366.6, NM_001018004.2, NM_001018006.2 and 20 more transcripts); c.346A>G, p.Lys116Glu (NM_001018008.2, NM_001301289.2, NM_001330344.2 and 9 more transcripts); c.580A>G, p.Lys194Glu (NM_001365778.1, NM_001407322.1, NM_001407323.1 and 1 more transcripts); short protein forms K152E, K194E, K116E.
Identifiers: ClinVar variation 2148810 (VCV002148810.5), dbSNP rs2542777211, ClinGen allele CA392722331.

ClinVar aggregate classification (germline): Uncertain significance. Review status: criteria provided, multiple submitters, no conflicts (2 of 4 stars). 2 submissions from 2 submitters: Uncertain significance (2). Last evaluated 2023-11-30.

Conditions:
Hypertrophic cardiomyopathy. Also called: HYPERTROPHIC MYOCARDIOPATHY. Identifiers: Orphanet 217569, MedGen C0007194, MeSH D002312, MONDO:0005045, HP:0001639.

Submissions (2):

All of Us Research Program, National Institutes of Health
Classification: Uncertain significance for Hypertrophic cardiomyopathy. Last evaluated: 2023-11-30. Review status: criteria provided, single submitter. Criteria: ACMG Guidelines, 2015. Collection method: clinical testing. Allele origin: germline. Inheritance: Autosomal dominant inheritance. Observed: 1 variant allele, 1 heterozygote.
Comment: This study involves interpretation of variants in research participants for the purpose of population health screening. Participant phenotype was not available at the time of variant classification. Additional details can be found in publication PMID: 35346344, PMCID: PMC8962531

Labcorp Genetics (formerly Invitae), Labcorp
Classification: Uncertain significance for Hypertrophic cardiomyopathy. Last evaluated: 2022-10-30. Review status: criteria provided, single submitter. Criteria: Invitae Variant Classification Sherloc (09022015). Collection method: clinical testing. Allele origin: germline.
Comment: In summary, the available evidence is currently insufficient to determine the role of this variant in disease. Therefore, it has been classified as a Variant of Uncertain Significance. Algorithms developed to predict the effect of missense changes on protein structure and function are either unavailable or do not agree on the potential impact of this missense change (SIFT: "Deleterious"; PolyPhen-2: "Probably Damaging"; Align-GVGD: "Class C0"). This variant has not been reported in the literature in individuals affected with TPM1-related conditions. This variant is not present in population databases (gnomAD no frequency). This sequence change replaces lysine, which is basic and polar, with glutamic acid, which is acidic and polar, at codon 152 of the TPM1 protein (p.Lys152Glu).